The following is an entry in ClinVar:

ClinVar aggregate classification (germline): Conflicting classifications of pathogenicity. Review status: criteria provided, conflicting classifications (1 of 4 stars). 2 submissions from 2 submitters: Likely pathogenic (1); Uncertain significance (1). Last evaluated 2024-08-28.

gnomAD v4.1: 7 of 1,589,738 alleles (0.00044%); highest among the groups gnomAD compares: Non-Finnish European, 0.0006%; no homozygotes.

Submissions (2):

GeneDx
Classification: Likely pathogenic. Last evaluated: 2024-08-28. Review status: criteria provided, single submitter. Criteria: GeneDx Variant Classification Process June 2021. Collection method: clinical testing. Allele origin: germline. Affected: yes.
Comment: Not observed at significant frequency in large population cohorts (gnomAD); In silico analysis supports that this missense variant has a deleterious effect on protein structure/function; This variant is associated with the following publications: (PMID: 37215500)

Blueprint Genetics
Classification: Uncertain significance. Last evaluated: 2024-01-05. Review status: criteria provided, single submitter. Criteria: ACMG Guidelines, 2015. Collection method: clinical testing. Allele origin: germline.

NM_016111.4(TELO2):c.2299C>T (p.Arg767Cys)

Gene: TELO2 (telomere maintenance 2; plus strand). Cytogenetic location: 16p13.3.
Variant type: single nucleotide variant.
Coding change: c.2299C>T on transcript NM_016111.4 (MANE Select); coding-DNA position 2299, C replaced by T.
Protein change: p.Arg767Cys; replaces arginine 767 with cysteine.
Molecular consequence: missense variant.
Genome position (GRCh38, 1-based): chr16:1,507,608, C>T. VCF-style: chr16-1507608-C-T. GRCh37 (hg19) VCF-style: chr16-1557609-C-T.
Other names: c.2299C>T, p.Arg767Cys (NM_001351846.2); short protein forms R767C.
Identifiers: ClinVar variation 3766160 (VCV003766160.2).